The following is an entry in ClinVar:

ClinVar aggregate classification (germline): Benign (1 of 4 stars; one submission).

Allele frequency attached by ClinVar (database versions not stated): TOPMed 0.02493; gnomAD 0.03442; 1000 Genomes Project 0.00919; 1000 Genomes Project 30x 0.00968.
gnomAD v4.1: 4,264 of 152,030 alleles (2.8%); highest among the groups gnomAD compares: Non-Finnish European, 4.2%; 95 homozygotes.

Submission:

GeneDx
Classification: Benign. Last evaluated: 2018-06-14. Review status: criteria provided, single submitter. Criteria: GeneDx Variant Classification (06012015). Collection method: clinical testing. Allele origin: germline. Affected: yes.
Comment: This variant is considered likely benign or benign based on one or more of the following criteria: it is a conservative change, it occurs at a poorly conserved position in the protein, it is predicted to be benign by multiple in silico algorithms, and/or has population frequency not consistent with disease.

NM_000282.4(PCCA):c.600+325T>A

Gene: PCCA (propionyl-CoA carboxylase subunit alpha; plus strand). Cytogenetic location: 13q32.3.
Variant type: single nucleotide variant.
Coding change: c.600+325T>A on transcript NM_000282.4 (MANE Select); 325 bases into the intron after coding-DNA position 600, T replaced by A.
Molecular consequence: intron variant.
Genome position (GRCh38, 1-based): chr13:100,209,788, T>A. VCF-style: chr13-100209788-T-A. GRCh37 (hg19) VCF-style: chr13-100862042-T-A.
Other names: c.600+325T>A (NM_001178004.2, NM_001352605.2, NM_001352606.2 and 1 more transcripts); c.-267+325T>A (NM_001352610.2, NM_001352611.2, NM_001352612.2); c.522+325T>A (NM_001127692.3, NM_001352607.2, NM_001352608.2).
Identifiers: ClinVar variation 673168 (VCV000673168.1), dbSNP rs113566641, ClinGen allele CA13836883.